The following is an entry in ClinVar:

ClinVar aggregate classification (germline): Uncertain significance. Review status: criteria provided, multiple submitters, no conflicts (2 of 4 stars). 3 submissions from 3 submitters: Uncertain significance (3). Last evaluated 2026-08-24.

Conditions:
Inborn genetic diseases. Identifiers: MedGen C0950123, MeSH D030342.
ALAD-related disorder. Also called: ALAD-related condition.

Allele frequency attached by ClinVar (database versions not stated): gnomAD exomes 0.00002 and 0.00006; ExAC 0.00009; TOPMed 0.00025; gnomAD 0.00028 and 0.00031; ESP Exome Variant Server 0.00031.
gnomAD v4.1: 73 of 1,613,758 alleles (0.0045%); highest among the groups gnomAD compares: African/African-American, 0.088%; no homozygotes.

Submissions (3):

PreventionGenetics, part of Exact Sciences
Classification: Uncertain significance for ALAD-related condition. Last evaluated: 2026-08-24. Review status: criteria provided, single submitter. Criteria: ACMG Guidelines, 2015. Collection method: clinical testing. Allele origin: germline.
Comment: The ALAD c.911T>C variant is predicted to result in the amino acid substitution p.Met304Thr. To our knowledge, this variant has not been reported in the literature. This variant is reported in 0.10% of alleles in individuals of African descent in gnomAD. Although we suspect that this variant may be benign, at this time, the clinical significance of this variant is uncertain due to the absence of conclusive functional and genetic evidence.

Ambry Genetics
Classification: Uncertain significance for Inborn genetic diseases. Last evaluated: 2025-11-19. Review status: criteria provided, single submitter. Criteria: Ambry Variant Classification Scheme 2023. Collection method: clinical testing. Allele origin: germline.

Labcorp Genetics (formerly Invitae), Labcorp
Classification: Uncertain significance. Last evaluated: 2019-06-18. Review status: criteria provided, single submitter. Criteria: Invitae Variant Classification Sherloc (09022015). Collection method: clinical testing. Allele origin: germline.
Comment: In summary, the available evidence is currently insufficient to determine the role of this variant in disease. Therefore, it has been classified as a Variant of Uncertain Significance. Algorithms developed to predict the effect of missense changes on protein structure and function (SIFT, PolyPhen-2, Align-GVGD) all suggest that this variant is likely to be tolerated, but these predictions have not been confirmed by published functional studies and their clinical significance is uncertain. This variant has not been reported in the literature in individuals with ALAD-related conditions. This variant is present in population databases (rs36087664, ExAC 0.09%). This sequence change replaces methionine with threonine at codon 304 of the ALAD protein (p.Met304Thr). The methionine residue is highly conserved and there is a moderate physicochemical difference between methionine and threonine.

NM_000031.6(ALAD):c.911T>C (p.Met304Thr)

Gene: ALAD (aminolevulinate dehydratase; minus strand). Cytogenetic location: 9q32.
Variant type: single nucleotide variant.
Coding change: c.911T>C on transcript NM_000031.6 (MANE Select); coding-DNA position 911, T replaced by C.
Protein change: p.Met304Thr; replaces methionine 304 with threonine.
Molecular consequence: missense variant.
Genome position (GRCh38, 1-based): chr9:113,388,997, A>G on the plus strand (T>C on the coding strand, the complement: ALAD is on the minus strand). VCF-style: chr9-113388997-A-G. GRCh37 (hg19) VCF-style: chr9-116151277-A-G.
Other names: c.998T>C, p.Met333Thr (NM_001003945.3); c.887T>C, p.Met296Thr (NM_001317745.2); short protein forms M304T, M333T, M296T.
Identifiers: ClinVar variation 950451 (VCV000950451.13), dbSNP rs36087664, ClinGen allele CA5196317.